The following is an entry in ClinVar:

ClinVar aggregate classification (germline): Uncertain significance. Review status: criteria provided, multiple submitters, no conflicts (2 of 4 stars). 4 submissions from 4 submitters: Uncertain significance (4). Last evaluated 2022-08-23.

Conditions:
Charcot-Marie-Tooth disease type 4F. Also called: Charcot-Marie-Tooth disease, demyelinating, type 4F. Identifiers: Orphanet 99952, MedGen C3540453, MONDO:0013959, OMIM 614895.
Charcot-Marie-Tooth disease type 4. Also called: Charcot-Marie-Tooth, Type 4; Charcot-Marie-Tooth disease, type IV. Identifiers: Orphanet 64749, MedGen C4082197, MONDO:0018995.
Inborn genetic diseases. Identifiers: MedGen C0950123, MeSH D030342.

Allele frequency attached by ClinVar (database versions not stated): gnomAD exomes 0.00002 and 0.00004; TOPMed 0.00004; ExAC 0.00005; gnomAD 0.00005 and 0.00006.
gnomAD v4.1: 45 of 1,612,296 alleles (0.0028%); highest among the groups gnomAD compares: South Asian, 0.011%; no homozygotes.

Submissions (4):

Labcorp Genetics (formerly Invitae), Labcorp
Classification: Uncertain significance for Charcot-Marie-Tooth disease type 4. Last evaluated: 2022-08-23. Review status: criteria provided, single submitter. Criteria: Invitae Variant Classification Sherloc (09022015). Collection method: clinical testing. Allele origin: germline.
Comment: This sequence change replaces alanine, which is neutral and non-polar, with valine, which is neutral and non-polar, at codon 1459 of the PRX protein (p.Ala1459Val). This variant is present in population databases (rs373051724, gnomAD 0.01%). This variant has not been reported in the literature in individuals affected with PRX-related conditions. ClinVar contains an entry for this variant (Variation ID: 329245). Algorithms developed to predict the effect of missense changes on protein structure and function are either unavailable or do not agree on the potential impact of this missense change (SIFT: "Tolerated"; PolyPhen-2: "Possibly Damaging"; Align-GVGD: "Class C0"). In summary, the available evidence is currently insufficient to determine the role of this variant in disease. Therefore, it has been classified as a Variant of Uncertain Significance.

Ambry Genetics
Classification: Uncertain significance for Inborn genetic diseases. Last evaluated: 2022-06-10. Review status: criteria provided, single submitter. Criteria: Ambry Variant Classification Scheme 2023. Collection method: clinical testing. Allele origin: germline.
Comment: The p.A1459V variant (also known as c.4376C>T), located in coding exon 4 of the PRX gene, results from a C to T substitution at nucleotide position 4376. The alanine at codon 1459 is replaced by valine, an amino acid with similar properties. This amino acid position is conserved. In addition, this alteration is predicted to be tolerated by in silico analysis. Since supporting evidence is limited at this time, the clinical significance of this alteration remains unclear.

Illumina Laboratory Services, Illumina
Classification: Uncertain significance for Charcot-Marie-Tooth disease type 4F. Last evaluated: 2018-01-13. Review status: criteria provided, single submitter. Criteria: ICSL Variant Classification Criteria 13 December 2019. Collection method: clinical testing. Allele origin: germline.

Breakthrough Genomics
Classification: Uncertain significance. Review status: criteria provided, single submitter. Criteria: ACMG Guidelines, 2015. Collection method: not provided. Allele origin: germline. Inheritance: Autosomal dominant inheritance. Affected: yes.

NM_181882.3(PRX):c.4376C>T (p.Ala1459Val)

Gene: PRX (periaxin; minus strand). Cytogenetic location: 19q13.2.
Variant type: single nucleotide variant.
Coding change: c.4376C>T on transcript NM_181882.3 (MANE Select); coding-DNA position 4376, C replaced by T.
Protein change: p.Ala1459Val; replaces alanine 1459 with valine.
Molecular consequence: missense variant. On other transcripts: 3 prime UTR variant (1).
Genome position (GRCh38, 1-based): chr19:40,393,976, G>A on the plus strand (C>T on the coding strand, the complement: PRX is on the minus strand). VCF-style: chr19-40393976-G-A. GRCh37 (hg19) VCF-style: chr19-40899883-G-A.
Other names: c.*4581C>T (NM_020956.2); short protein forms A1459V.
Identifiers: ClinVar variation 329245 (VCV000329245.10), dbSNP rs373051724, ClinGen allele CA9443623.
Genomic context (GRCh38, chr19:40,393,976, plus strand): 5'-AGGGGGTAGAGAAAGGAAGGCAAGAAGGGATCCCCATCTGACTAGGGGCTTCAGACAGCC[G>A]CAGCCTGAGCCCCCTCCATCCTGGCCGGGCCTGGAGCCCCTGTCTCTGAAAACCCCACGC-3'
Protein context (NP_870998.2, residues 1449-1461): GPARMEGAQA[Ala1459Val]AV